The following is an entry in ClinVar:

NM_001080467.3(MYO5B):c.1768G>C (p.Asp590His)

Gene: MYO5B (myosin VB; minus strand). Cytogenetic location: 18q21.1.
Variant type: single nucleotide variant.
Coding change: c.1768G>C on transcript NM_001080467.3 (MANE Select); coding-DNA position 1768, G replaced by C.
Protein change: p.Asp590His; replaces aspartic acid 590 with histidine.
Molecular consequence: missense variant.
Genome position (GRCh38, 1-based): chr18:49,937,382, C>G on the plus strand (G>C on the coding strand, the complement: MYO5B is on the minus strand). VCF-style: chr18-49937382-C-G. GRCh37 (hg19) VCF-style: chr18-47463752-C-G.
Other names: short protein forms D590H.
Identifiers: ClinVar variation 999895 (VCV000999895.6), dbSNP rs780735273, ClinGen allele CA8961382.
Genomic context (GRCh38, chr18:49,937,382, plus strand): 5'-AAGATGACCCCTTCCCAGGGGTGGTGGCAGGAACAGGGTCCTTGTCATCATGAAACAAGT[C>G]AGCCACTAGTGGGAACTAGAAACAATCACAGGAAGAATGATGAAAGTGACATCTCCTGCA-3'
Protein context (NP_001073936.1, residues 580-600): LKASKFPLVA[Asp590His]LFHDDKDPVP

ClinVar aggregate classification (germline): Uncertain significance (1 of 4 stars; one submission).

Allele frequency attached by ClinVar (database versions not stated): TOPMed below 0.00001; ExAC 0.00001; gnomAD exomes 0.00001 and 0.00002.
gnomAD v4.1: 39 of 1,614,108 alleles (0.0024%); highest among the groups gnomAD compares: Non-Finnish European, 0.003%; no homozygotes.

Submission:

Labcorp Genetics (formerly Invitae), Labcorp
Classification: Uncertain significance. Last evaluated: 2021-09-01. Review status: criteria provided, single submitter. Criteria: Invitae Variant Classification Sherloc (09022015). Collection method: clinical testing. Allele origin: germline.
Comment: This sequence change replaces aspartic acid with histidine at codon 590 of the MYO5B protein (p.Asp590His). The aspartic acid residue is highly conserved and there is a moderate physicochemical difference between aspartic acid and histidine. This variant is present in population databases (rs780735273, ExAC 0.002%). This variant has not been reported in the literature in individuals affected with MYO5B-related conditions. Algorithms developed to predict the effect of missense changes on protein structure and function are either unavailable or do not agree on the potential impact of this missense change (SIFT: "Deleterious"; PolyPhen-2: "Benign"; Align-GVGD: "Class C0"). In summary, the available evidence is currently insufficient to determine the role of this variant in disease. Therefore, it has been classified as a Variant of Uncertain Significance.